The following is an entry in ClinVar:

NC_000020.10:g.(?_10653329)_(10654278_?)del

Gene: JAG1 (jagged canonical Notch ligand 1; minus strand). Cytogenetic location: 20p12.2.
Variant type: Deletion.
Identifiers: ClinVar variation 2422588 (VCV002422588.4).

ClinVar aggregate classification (germline): Pathogenic (1 of 4 stars; one submission).

Conditions:
Alagille syndrome due to a JAG1 point mutation. Also called: JAG1-Related Alagille Syndrome; HEPATIC DUCTULAR HYPOPLASIA, SYNDROMATIC; Alagille Syndrome 1. Identifiers: Orphanet 261619, Orphanet 52, MedGen C1956125, MONDO:0016862, OMIM 118450.

Submission:

Labcorp Genetics (formerly Invitae), Labcorp
Classification: Pathogenic for Alagille syndrome due to a JAG1 point mutation. Last evaluated: 2022-03-14. Review status: criteria provided, single submitter. Criteria: Invitae Variant Classification Sherloc (09022015). Collection method: clinical testing. Allele origin: germline.
Comment: For these reasons, this variant has been classified as Pathogenic. A similar copy number variant has been observed in individual(s) with Alagille syndrome (PMID: 16575836). This variant is a gross deletion of the genomic region encompassing exon(s) 1-2 of the JAG1 gene, which includes the initiator codon. This deletion extends beyond the assayed region for this gene and therefore may encompass additional genes. It is expected to result in an absent or disrupted protein product. Loss-of-function variants in JAG1 are known to be pathogenic (PMID: 11180599).

Literature cited by the submitters: PubMed 16575836; PubMed 11180599.